The following is an entry in ClinVar:

ClinVar aggregate classification (germline): Uncertain significance. Review status: criteria provided, multiple submitters, no conflicts (2 of 4 stars). 3 submissions from 3 submitters: Uncertain significance (3). Last evaluated 2026-03-05.

Conditions:
DICER1-related disorder. Also called: DICER1-related condition.
DICER1-related tumor predisposition. Also called: DICER1 syndrome; DICER1-related pleuropulmonary blastoma cancer predisposition syndrome. Identifiers: Orphanet 284343, MedGen C3839822, MONDO:0100216.
Hereditary cancer-predisposing syndrome. Also called: Neoplastic Syndromes, Hereditary; Hereditary Cancer Syndrome; Tumor predisposition; Hereditary neoplastic syndrome. Identifiers: Orphanet 140162, MedGen C0027672, MeSH D009386, MONDO:0015356.

Allele frequency attached by ClinVar (database versions not stated): gnomAD 0.00003; TOPMed 0.00003.

Submissions (3):

PreventionGenetics, part of Exact Sciences
Classification: Uncertain significance for DICER1-related condition. Last evaluated: 2026-03-05. Review status: criteria provided, single submitter. Criteria: ACMG Guidelines, 2015. Collection method: clinical testing. Allele origin: germline.
Comment: The DICER1 c.4795C>G variant is predicted to result in the amino acid substitution p.Arg1599Gly. This variant has been reported in the literature in an individual with an ependymoma (Table S4A, Zhang et al. 2015. PubMed ID: 26580448). This variant is reported in 0.0033% of alleles in individuals of South Asian descent in gnomAD and is interpreted as uncertain in ClinVar (Variation ID: 477218). At this time, the clinical significance of this variant is uncertain due to the absence of conclusive functional and genetic evidence.

Ambry Genetics
Classification: Uncertain significance for Hereditary cancer-predisposing syndrome. Last evaluated: 2025-04-18. Review status: criteria provided, single submitter. Criteria: Ambry Variant Classification Scheme 2023. Collection method: clinical testing. Allele origin: germline.

Labcorp Genetics (formerly Invitae), Labcorp
Classification: Uncertain significance for DICER1-related tumor predisposition. Last evaluated: 2025-01-14. Review status: criteria provided, single submitter. Criteria: Invitae Variant Classification Sherloc (09022015). Collection method: clinical testing. Allele origin: germline.
Comment: This sequence change replaces arginine, which is basic and polar, with glycine, which is neutral and non-polar, at codon 1599 of the DICER1 protein (p.Arg1599Gly). This variant is present in population databases (rs587778230, gnomAD 0.003%). This missense change has been observed in individual(s) with ependymoma (PMID: 26580448). ClinVar contains an entry for this variant (Variation ID: 477218). Invitae Evidence Modeling of protein sequence and biophysical properties (such as structural, functional, and spatial information, amino acid conservation, physicochemical variation, residue mobility, and thermodynamic stability) indicates that this missense variant is not expected to disrupt DICER1 protein function with a negative predictive value of 95%. In summary, the available evidence is currently insufficient to determine the role of this variant in disease. Therefore, it has been classified as a Variant of Uncertain Significance.

Literature cited by the submitters: PubMed 26580448 (cited by Labcorp Genetics (formerly Invitae), Labcorp).

NM_177438.3(DICER1):c.4795C>G (p.Arg1599Gly)

Gene: DICER1 (dicer 1, ribonuclease III; minus strand). Cytogenetic location: 14q32.13.
Variant type: single nucleotide variant.
Coding change: c.4795C>G on transcript NM_177438.3 (MANE Select); coding-DNA position 4795, C replaced by G.
Protein change: p.Arg1599Gly; replaces arginine 1599 with glycine.
Molecular consequence: missense variant.
Genome position (GRCh38, 1-based): chr14:95,096,125, G>C on the plus strand (C>G on the coding strand, the complement: DICER1 is on the minus strand). VCF-style: chr14-95096125-G-C. GRCh37 (hg19) VCF-style: chr14-95562462-G-C.
Other names: c.4795C>G, p.Arg1599Gly (NM_001195573.1, NM_001271282.3, NM_001291628.2 and 1 more transcripts); short protein forms R1599G.
Identifiers: ClinVar variation 477218 (VCV000477218.15), dbSNP rs587778230, ClinGen allele CA7330798.
Genomic context (GRCh38, chr14:95,096,125, plus strand): 5'-CTGAAAGGTTCTTTTGTTGGCTGTTGAAATTCTCCCGAGTAGGGCACAGGGCCTTTTCCC[G>C]ATCAGTCCTTTTAATTACCGGGAGCACCTTCAGCCCCAGTGAACAGAGGAAAAGCTGAGC-3'
Protein context (NP_803187.1, residues 1589-1609): KVLPVIKRTD[Arg1599Gly]EKALCPTREN